The following is an entry in ClinVar:

NM_001367624.2(ZNF469):c.327G>A (p.Ala109=)

Gene: ZNF469 (zinc finger protein 469; plus strand). Cytogenetic location: 16q24.2.
Variant type: single nucleotide variant.
Coding change: c.327G>A on transcript NM_001367624.2 (MANE Select); coding-DNA position 327, G replaced by A.
Protein change: p.Ala109=; no amino-acid change (alanine 109 retained).
Molecular consequence: synonymous variant.
Genome position (GRCh38, 1-based): chr16:88,427,797, G>A. VCF-style: chr16-88427797-G-A. GRCh37 (hg19) VCF-style: chr16-88494205-G-A.
Other names: NM_001127464.1:c.327G>A; NM_001127464.2:c.327G>A; p.Ala109=.
Identifiers: ClinVar variation 517941 (VCV000517941.20), dbSNP rs192479136, ClinGen allele CA8224579.

ClinVar aggregate classification (germline): Benign/Likely benign. Review status: criteria provided, multiple submitters, no conflicts (2 of 4 stars). 8 submissions from 8 submitters: Benign (2); Likely benign (6). Last evaluated 2026-04-06.

Conditions:
Cardiovascular phenotype. Identifiers: MedGen CN230736.
Brittle cornea syndrome 1 (BCS1). Also called: DYSGENESIS MESODERMALIS CORNEAE ET SCLERAE; EDS6B; Corneal fragility keratoglobus, blue sclerae AND joint hypermobility; CORNEAL FRAGILITY, KERATOGLOBUS, BLUE SCLERAE, JOINT HYPEREXTENSIBILITY; FRAGILITAS OCULI WITH JOINT HYPEREXTENSIBILITY. Identifiers: Orphanet 90354, MedGen C0268344, MONDO:0024543, OMIM 229200.
Ehlers-Danlos syndrome (EDS). Identifiers: Orphanet 98249, MedGen C0013720, MONDO:0020066.

Allele frequency attached by ClinVar (database versions not stated): gnomAD exomes 0.00090 and 0.00053; 1000 Genomes Project 0.00280; ExAC 0.00049; 1000 Genomes Project 30x 0.00297; gnomAD 0.00392 and 0.00424; TOPMed 0.00433.
gnomAD v4.1: 1,384 of 1,547,520 alleles (0.089%); highest among the groups gnomAD compares: African/African-American, 1.5%; 11 homozygotes.

Submissions (8):

Women's Health and Genetics/Laboratory Corporation of America, LabCorp
Classification: Likely benign. Last evaluated: 2026-04-06. Review status: criteria provided, single submitter. Criteria: LabCorp Variant Classification Summary - May 2015. Collection method: clinical testing. Allele origin: germline.

Labcorp Genetics (formerly Invitae), Labcorp
Classification: Benign. Last evaluated: 2026-01-31. Review status: criteria provided, single submitter. Criteria: Invitae Variant Classification Sherloc (09022015). Collection method: clinical testing. Allele origin: germline.

Mayo Clinic Laboratories, Mayo Clinic
Classification: Likely benign. Last evaluated: 2024-12-27. Review status: criteria provided, single submitter. Criteria: ACMG Guidelines, 2015. Collection method: clinical testing. Allele origin: germline. Observed: 3 variant alleles.
Comment: BS1, BP4, BP7

Blueprint Genetics
Classification: Likely benign. Last evaluated: 2024-10-08. Review status: criteria provided, single submitter. Criteria: ACMG Guidelines, 2015. Collection method: clinical testing. Allele origin: germline.

Genome-Nilou Lab
Classification: Benign for Brittle cornea syndrome 1. Last evaluated: 2021-12-05. Review status: criteria provided, single submitter. Criteria: ACMG Guidelines, 2015. Collection method: clinical testing. Allele origin: germline. Affected: no.

Genome Diagnostics Laboratory, The Hospital for Sick Children
Classification: Likely benign for Ehlers-Danlos syndrome. Last evaluated: 2021-03-26. Review status: criteria provided, single submitter. Criteria: ACMG Guidelines, 2015. Collection method: clinical testing. Allele origin: germline.

GeneDx
Classification: Likely benign. Last evaluated: 2020-12-07. Review status: criteria provided, single submitter. Criteria: GeneDx Variant Classification Process June 2021. Collection method: clinical testing. Allele origin: germline. Affected: yes.

Ambry Genetics
Classification: Likely benign for Cardiovascular phenotype. Last evaluated: 2019-07-02. Review status: criteria provided, single submitter. Criteria: Ambry Variant Classification Scheme 2023. Collection method: clinical testing. Allele origin: germline.